The following is an entry in ClinVar:

NM_002734.5(PRKAR1A):c.1025G>A (p.Arg342His)

Gene: PRKAR1A (protein kinase cAMP-dependent type I regulatory subunit alpha; plus strand). Cytogenetic location: 17q24.2.
Variant type: single nucleotide variant.
Coding change: c.1025G>A on transcript NM_002734.5 (MANE Select); coding-DNA position 1025, G replaced by A.
Protein change: p.Arg342His; replaces arginine 342 with histidine.
Molecular consequence: missense variant. On other transcripts: intron variant (1).
Genome position (GRCh38, 1-based): chr17:68,530,328, G>A. VCF-style: chr17-68530328-G-A. GRCh37 (hg19) VCF-style: chr17-66526469-G-A.
Other names: c.1025G>A, p.Arg342His (NM_001276289.2, NM_001278433.2, NM_001369389.1 and 3 more transcripts); c.973+327G>A (NM_001276290.1); short protein forms R342H.
Identifiers: ClinVar variation 536890 (VCV000536890.14), dbSNP rs760033566, ClinGen allele CA8729457.

ClinVar aggregate classification (germline): Conflicting classifications of pathogenicity. Review status: criteria provided, conflicting classifications (1 of 4 stars). 5 submissions from 5 submitters: Uncertain significance (4); Likely benign (1). Last evaluated 2025-08-03.

Conditions:
Acrodysostosis 1 with or without hormone resistance (ACRDYS1). Also called: ACRODYSOSTOSIS WITH HORMONE RESISTANCE; ACRODYSOSTOSIS 1 WITH HORMONE RESISTANCE; ACRODYSOSTOSIS 1 WITHOUT HORMONE RESISTANCE. Identifiers: Orphanet 280651, MedGen C3276228, MONDO:0007044, OMIM 101800.
Carney complex, type 1 (CNC1). Also called: CARNEY MYXOMA-ENDOCRINE COMPLEX; CARNEY COMPLEX, TYPE I. Identifiers: Orphanet 1359, MedGen C2607929, MONDO:0008057, OMIM 160980.
Hereditary cancer-predisposing syndrome. Also called: Tumor predisposition; Hereditary Cancer Syndrome; Hereditary neoplastic syndrome; Neoplastic Syndromes, Hereditary. Identifiers: Orphanet 140162, MedGen C0027672, MeSH D009386, MONDO:0015356.
Familial atrial myxoma. Identifiers: Orphanet 615, MedGen C2931787, MONDO:0009719, OMIM 255960.
Pigmented nodular adrenocortical disease, primary, 1 (PPNAD1). Also called: ADRENOCORTICAL NODULAR DYSPLASIA, PRIMARY; CUSHING SYNDROME, ADRENAL, DUE TO PPNAD1; PIGMENTED MICRONODULAR ADRENOCORTICAL DISEASE, PRIMARY, 1. Identifiers: Orphanet 189439, MedGen C1864846, MONDO:0012509, OMIM 610489.

Allele frequency attached by ClinVar (database versions not stated): TOPMed below 0.00001; gnomAD 0.00001; gnomAD exomes 0.00001 and 0.00002; ExAC 0.00002.
gnomAD v4.1: 20 of 1,613,952 alleles (0.0012%); highest among the groups gnomAD compares: South Asian, 0.0077%; no homozygotes.

Submissions (5):

Labcorp Genetics (formerly Invitae), Labcorp
Classification: Uncertain significance for Carney complex, type 1. Last evaluated: 2025-08-03. Review status: criteria provided, single submitter. Criteria: Invitae Variant Classification Sherloc (09022015). Collection method: clinical testing. Allele origin: germline.
Comment: This sequence change replaces arginine, which is basic and polar, with histidine, which is basic and polar, at codon 342 of the PRKAR1A protein (p.Arg342His). This variant is present in population databases (rs760033566, gnomAD 0.006%). This variant has not been reported in the literature in individuals affected with PRKAR1A-related conditions. ClinVar contains an entry for this variant (Variation ID: 536890). Invitae Evidence Modeling of protein sequence and biophysical properties (such as structural, functional, and spatial information, amino acid conservation, physicochemical variation, residue mobility, and thermodynamic stability) indicates that this missense variant is not expected to disrupt PRKAR1A protein function with a negative predictive value of 95%. In summary, the available evidence is currently insufficient to determine the role of this variant in disease. Therefore, it has been classified as a Variant of Uncertain Significance.

Women's Health and Genetics/Laboratory Corporation of America, LabCorp
Classification: Uncertain significance. Last evaluated: 2024-07-16. Review status: criteria provided, single submitter. Criteria: LabCorp Variant Classification Summary - May 2015. Collection method: clinical testing. Allele origin: germline.

Baylor Genetics
Classification: Uncertain significance for Acrodysostosis 1 with or without hormone resistance. Last evaluated: 2024-02-27. Review status: criteria provided, single submitter. Criteria: ACMG Guidelines, 2015. Collection method: clinical testing. Allele origin: unknown.

Ambry Genetics
Classification: Likely benign for Hereditary cancer-predisposing syndrome. Last evaluated: 2022-09-26. Review status: criteria provided, single submitter. Criteria: Ambry Variant Classification Scheme 2023. Collection method: clinical testing. Allele origin: germline.

Fulgent Genetics
Classification: Uncertain significance for Acrodysostosis 1 with or without hormone resistance; Carney complex, type 1; Familial atrial myxoma; Pigmented nodular adrenocortical disease, primary, 1. Last evaluated: 2021-10-26. Review status: criteria provided, single submitter. Criteria: ACMG Guidelines, 2015. Collection method: clinical testing. Allele origin: unknown.